The following is an entry in ClinVar:

NM_022893.4(BCL11A):c.1308C>T (p.Val436=)

Gene: BCL11A (BCL11 transcription factor A; minus strand). Cytogenetic location: 2p16.1.
Variant type: single nucleotide variant.
Coding change: c.1308C>T on transcript NM_022893.4 (MANE Select); coding-DNA position 1308, C replaced by T.
Protein change: p.Val436=; no amino-acid change (valine 436 retained).
Molecular consequence: synonymous variant. On other transcripts: intron variant (1).
Genome position (GRCh38, 1-based): chr2:60,461,604, G>A on the plus strand (C>T on the coding strand, the complement: BCL11A is on the minus strand). VCF-style: chr2-60461604-G-A. GRCh37 (hg19) VCF-style: chr2-60688739-G-A.
Other names: p.Val436=; c.1206C>T, p.Val402= (NM_001363864.1, NM_001365609.1); c.1308C>T, p.Val436= (NM_018014.4); c.630+678C>T (NM_138559.2).
Identifiers: ClinVar variation 711798 (VCV000711798.27), dbSNP rs142120696, ClinGen allele CA1671135.

ClinVar aggregate classification (germline): Benign/Likely benign. Review status: criteria provided, multiple submitters, no conflicts (2 of 4 stars). 3 submissions from 3 submitters: Benign (1); Likely benign (2). Last evaluated 2025-10-01.

Allele frequency attached by ClinVar (database versions not stated): ESP Exome Variant Server 0.00077; TOPMed 0.00079; 1000 Genomes Project 0.00120; 1000 Genomes Project 30x 0.00125; gnomAD 0.00130 and 0.00135; ExAC 0.00147.
gnomAD v4.1: 2,258 of 1,613,502 alleles (0.14%); highest among the groups gnomAD compares: South Asian, 0.39%; 5 homozygotes.

Submissions (3):

CeGaT Center for Human Genetics Tuebingen
Classification: Likely benign. Last evaluated: 2025-10-01. Review status: criteria provided, single submitter. Criteria: CeGaT Center For Human Genetics Tuebingen Variant Classification Criteria Version 2. Collection method: clinical testing. Allele origin: germline. Affected: yes. Observed: 3 variant alleles.
Comment: BCL11A: BP4, BS1

Mayo Clinic Laboratories, Mayo Clinic
Classification: Likely benign. Last evaluated: 2025-07-24. Review status: criteria provided, single submitter. Criteria: ACMG Guidelines, 2015. Collection method: clinical testing. Allele origin: germline. Observed: 1 variant allele.
Comment: BS2, BP4, BP7

Labcorp Genetics (formerly Invitae), Labcorp
Classification: Benign. Last evaluated: 2019-12-31. Review status: criteria provided, single submitter. Criteria: Invitae Variant Classification Sherloc (09022015). Collection method: clinical testing. Allele origin: germline.